The following is an entry in ClinVar:

ClinVar aggregate classification (germline): Uncertain significance. Review status: criteria provided, multiple submitters, no conflicts (2 of 4 stars). 2 submissions from 2 submitters: Uncertain significance (2). Last evaluated 2024-05-22.

Conditions:
Inborn genetic diseases. Identifiers: MedGen C0950123, MeSH D030342.

Allele frequency attached by ClinVar (database versions not stated): gnomAD exomes 0.00001.
gnomAD v4.1: 12 of 1,614,108 alleles (0.00074%); highest among the groups gnomAD compares: African/African-American, 0.0013%; no homozygotes.

Submissions (2):

Labcorp Genetics (formerly Invitae), Labcorp
Classification: Uncertain significance. Last evaluated: 2024-05-22. Review status: criteria provided, single submitter. Criteria: Invitae Variant Classification Sherloc (09022015). Collection method: clinical testing. Allele origin: germline.
Comment: This sequence change replaces glutamine, which is neutral and polar, with arginine, which is basic and polar, at codon 166 of the CLTC protein (p.Gln166Arg). This variant is present in population databases (no rsID available, gnomAD 0.002%). This variant has not been reported in the literature in individuals affected with CLTC-related conditions. Advanced modeling of protein sequence and biophysical properties (such as structural, functional, and spatial information, amino acid conservation, physicochemical variation, residue mobility, and thermodynamic stability) performed at Invitae indicates that this missense variant is not expected to disrupt CLTC protein function with a negative predictive value of 80%. In summary, the available evidence is currently insufficient to determine the role of this variant in disease. Therefore, it has been classified as a Variant of Uncertain Significance.

Ambry Genetics
Classification: Uncertain significance for Inborn genetic diseases. Last evaluated: 2024-01-16. Review status: criteria provided, single submitter. Criteria: Ambry Variant Classification Scheme 2023. Collection method: clinical testing. Allele origin: germline.

NM_004859.4(CLTC):c.485A>G (p.Gln162Arg)

Gene: CLTC (clathrin heavy chain; plus strand). Cytogenetic location: 17q23.1.
Variant type: single nucleotide variant.
Coding change: c.485A>G on transcript NM_004859.4 (MANE Select); coding-DNA position 485, A replaced by G.
Protein change: p.Gln162Arg; replaces glutamine 162 with arginine.
Molecular consequence: missense variant.
Genome position (GRCh38, 1-based): chr17:59,647,632, A>G. VCF-style: chr17-59647632-A-G. GRCh37 (hg19) VCF-style: chr17-57724993-A-G.
Other names: c.497A>G, p.Gln166Arg (NM_001288653.2); short protein forms Q162R, Q166R.
Identifiers: ClinVar variation 3146094 (VCV003146094.3), dbSNP rs1206434603, ClinGen allele CA400420449.
Genomic context (GRCh38, chr17:59,647,632, plus strand): 5'-TTGATCGCCATTCTAGCCTTGCAGGGTGCCAGATTATCAATTACCGTACAGATGCAAAAC[A>G]AAAGTGGTTACTTCTGACTGGTATATCTGCACAGGTAACATTTTAACTATTTTTTTATGA-3'
Protein context (NP_004850.1, residues 152-172): QIINYRTDAK[Gln162Arg]KWLLLTGISA